The following is an entry in ClinVar:

ClinVar aggregate classification (germline): Uncertain significance (1 of 4 stars; one submission).

Conditions:
Cardiovascular phenotype. Identifiers: MedGen CN230736.

Allele frequency attached by ClinVar (database versions not stated): gnomAD exomes below 0.00001; gnomAD 0.00001; TOPMed 0.00002.
gnomAD v4.1: 7 of 1,613,864 alleles (0.00043%); highest among the groups gnomAD compares: African/African-American, 0.0053%; no homozygotes.

Submission:

Ambry Genetics
Classification: Uncertain significance for Cardiovascular phenotype. Last evaluated: 2023-11-30. Review status: criteria provided, single submitter. Criteria: Ambry Variant Classification Scheme 2023. Collection method: clinical testing. Allele origin: germline.
Comment: The p.K26R variant (also known as c.77A>G), located in coding exon 2 of the TRDN gene, results from an A to G substitution at nucleotide position 77. The lysine at codon 26 is replaced by arginine, an amino acid with highly similar properties. This amino acid position is not well conserved in available vertebrate species, and arginine is the reference amino acid in other vertebrate species. In addition, this alteration is predicted to be tolerated by in silico analysis. Since supporting evidence is limited at this time, the clinical significance of this alteration remains unclear.

Literature cited by the submitters: PubMed 18025088.

NM_006073.4(TRDN):c.77A>G (p.Lys26Arg)

Gene: TRDN (triadin; minus strand). Cytogenetic location: 6q22.31.
Variant type: single nucleotide variant.
Coding change: c.77A>G on transcript NM_006073.4 (MANE Select); coding-DNA position 77, A replaced by G.
Protein change: p.Lys26Arg; replaces lysine 26 with arginine.
Molecular consequence: missense variant.
Genome position (GRCh38, 1-based): chr6:123,571,078, T>C on the plus strand (A>G on the coding strand, the complement: TRDN is on the minus strand). VCF-style: chr6-123571078-T-C. GRCh37 (hg19) VCF-style: chr6-123892223-T-C.
Other names: c.77A>G, p.Lys26Arg (NM_001251987.2, NM_001256020.2, NM_001256021.2 and 2 more transcripts); short protein forms K26R.
Identifiers: ClinVar variation 1760673 (VCV001760673.2), dbSNP rs889510568, ClinGen allele CA147302788.